The following is an entry in ClinVar:

NM_000548.5(TSC2):c.3131+8C>T

Gene: TSC2 (TSC complex subunit 2; plus strand). Cytogenetic location: 16p13.3.
Variant type: single nucleotide variant.
Coding change: c.3131+8C>T on transcript NM_000548.5 (MANE Select); 8 bases into the intron after coding-DNA position 3131, C replaced by T.
Molecular consequence: intron variant.
Genome position (GRCh38, 1-based): chr16:2,079,204, C>T. VCF-style: chr16-2079204-C-T. GRCh37 (hg19) VCF-style: chr16-2129205-C-T.
Other names: c.3131+8C>T (NM_001114382.3); c.3002+8C>T (NM_021055.3, NM_001370405.1, NM_001363528.2); c.2999+8C>T (NM_001370404.1, NM_001077183.3); c.2891+8C>T (NM_001318827.2); c.2399+8C>T (NM_001318831.2); c.2855+8C>T (NM_001318829.2); c.3032+8C>T (NM_001318832.2).
Identifiers: ClinVar variation 384390 (VCV000384390.15), dbSNP rs763702215, ClinGen allele CA044415.

ClinVar aggregate classification (germline): Benign/Likely benign. Review status: criteria provided, multiple submitters, no conflicts (2 of 4 stars). 3 submissions from 3 submitters: Benign (1); Likely benign (2). Last evaluated 2025-11-26.

Conditions:
Tuberous sclerosis 2 (TSC2). Identifiers: Orphanet 805, MedGen C1860707, MONDO:0013199, OMIM 613254.

Allele frequency attached by ClinVar (database versions not stated): ExAC 0.00001; gnomAD exomes 0.00001.
gnomAD v4.1: 19 of 1,612,726 alleles (0.0012%); highest among the groups gnomAD compares: Admixed American, 0.005%; no homozygotes.

Submissions (3):

Labcorp Genetics (formerly Invitae), Labcorp
Classification: Likely benign for Tuberous sclerosis 2. Last evaluated: 2025-11-26. Review status: criteria provided, single submitter. Criteria: Invitae Variant Classification Sherloc (09022015). Collection method: clinical testing. Allele origin: germline.

Genome-Nilou Lab
Classification: Benign for Tuberous sclerosis 2. Last evaluated: 2021-11-07. Review status: criteria provided, single submitter. Criteria: ACMG Guidelines, 2015. Collection method: clinical testing. Allele origin: germline. Affected: no.

GeneDx
Classification: Likely benign. Last evaluated: 2016-03-12. Review status: criteria provided, single submitter. Criteria: GeneDx Variant Classification (06012015). Collection method: clinical testing. Allele origin: germline. Affected: yes.
Comment: This variant is considered likely benign or benign based on one or more of the following criteria: it is a conservative change, it occurs at a poorly conserved position in the protein, it is predicted to be benign by multiple in silico algorithms, and/or has population frequency not consistent with disease.